The following is an entry in ClinVar:

NM_004260.4(RECQL4):c.3086A>G (p.Glu1029Gly)

Gene: RECQL4 (RecQ like helicase 4; minus strand). Cytogenetic location: 8q24.3.
Variant type: single nucleotide variant.
Coding change: c.3086A>G on transcript NM_004260.4 (MANE Select); coding-DNA position 3086, A replaced by G.
Protein change: p.Glu1029Gly; replaces glutamic acid 1029 with glycine.
Molecular consequence: missense variant. On other transcripts: non-coding transcript variant (2).
Genome position (GRCh38, 1-based): chr8:144,512,294, T>C on the plus strand (A>G on the coding strand, the complement: RECQL4 is on the minus strand). VCF-style: chr8-144512294-T-C. GRCh37 (hg19) VCF-style: chr8-145737677-T-C.
Other names: c.2792A>G, p.Glu931Gly (NM_001413017.1); c.2888A>G, p.Glu963Gly (NM_001413018.1); c.3161A>G, p.Glu1054Gly (NM_001413019.1); c.2990A>G, p.Glu997Gly (NM_001413020.1); c.2015A>G, p.Glu672Gly (NM_001413021.1, NM_001413022.1, NM_001413024.1 and 4 more transcripts); c.2090A>G, p.Glu697Gly (NM_001413023.1); c.2957A>G, p.Glu986Gly (NM_001413025.1); c.1949A>G, p.Glu650Gly (NM_001413027.1, NM_001413030.1, NM_001413032.1); and 9 more; short protein forms E1029G, E662G, E997G, E628G, E650G, E672G, E912G, E963G.
Identifiers: ClinVar variation 3011962 (VCV003011962.3), dbSNP rs2537981445, ClinGen allele CA372670752.

ClinVar aggregate classification (germline): Uncertain significance (1 of 4 stars; one submission).

Conditions:
Baller-Gerold syndrome (BGS). Also called: CRANIOSYNOSTOSIS WITH RADIAL DEFECTS. Identifiers: Orphanet 1225, MedGen C0265308, MONDO:0009039, OMIM 218600.

Allele frequency attached by ClinVar (database versions not stated): gnomAD exomes below 0.00001.
gnomAD v4.1: 2 of 1,612,422 alleles (0.00012%); highest among the groups gnomAD compares: Non-Finnish European, 0.00017%; no homozygotes.

Submission:

Labcorp Genetics (formerly Invitae), Labcorp
Classification: Uncertain significance for Baller-Gerold syndrome. Last evaluated: 2023-01-08. Review status: criteria provided, single submitter. Criteria: Invitae Variant Classification Sherloc (09022015). Collection method: clinical testing. Allele origin: germline.
Comment: Algorithms developed to predict the effect of sequence changes on RNA splicing suggest that this variant may disrupt the consensus splice site. In summary, the available evidence is currently insufficient to determine the role of this variant in disease. Therefore, it has been classified as a Variant of Uncertain Significance. Advanced modeling of protein sequence and biophysical properties (such as structural, functional, and spatial information, amino acid conservation, physicochemical variation, residue mobility, and thermodynamic stability) performed at Invitae indicates that this missense variant is expected to disrupt RECQL4 protein function. This variant has not been reported in the literature in individuals affected with RECQL4-related conditions. This variant is not present in population databases (gnomAD no frequency). This sequence change replaces glutamic acid, which is acidic and polar, with glycine, which is neutral and non-polar, at codon 1029 of the RECQL4 protein (p.Glu1029Gly).